The following is an entry in ClinVar:

ClinVar aggregate classification (germline): Uncertain significance (1 of 4 stars; one submission).

Conditions:
Hypertrophic cardiomyopathy. Also called: HYPERTROPHIC MYOCARDIOPATHY. Identifiers: Orphanet 217569, MedGen C0007194, MeSH D002312, MONDO:0005045, HP:0001639.

Submission:

Labcorp Genetics (formerly Invitae), Labcorp
Classification: Uncertain significance for Hypertrophic cardiomyopathy. Last evaluated: 2023-05-24. Review status: criteria provided, single submitter. Criteria: Invitae Variant Classification Sherloc (09022015). Collection method: clinical testing. Allele origin: germline.
Comment: This sequence change replaces asparagine, which is neutral and polar, with threonine, which is neutral and polar, at codon 711 of the MYH7 protein (p.Asn711Thr). This variant is not present in population databases (gnomAD no frequency). This variant has not been reported in the literature in individuals affected with MYH7-related conditions. Advanced modeling of protein sequence and biophysical properties (such as structural, functional, and spatial information, amino acid conservation, physicochemical variation, residue mobility, and thermodynamic stability) performed at Invitae indicates that this missense variant is expected to disrupt MYH7 protein function. In summary, the available evidence is currently insufficient to determine the role of this variant in disease. Therefore, it has been classified as a Variant of Uncertain Significance.

NM_000257.4(MYH7):c.2132A>C (p.Asn711Thr)

Gene: MYH7 (myosin heavy chain 7; minus strand). Cytogenetic location: 14q11.2.
Variant type: single nucleotide variant.
Coding change: c.2132A>C on transcript NM_000257.4 (MANE Select); coding-DNA position 2132, A replaced by C.
Protein change: p.Asn711Thr; replaces asparagine 711 with threonine.
Molecular consequence: missense variant.
Genome position (GRCh38, 1-based): chr14:23,425,994, T>G on the plus strand (A>C on the coding strand, the complement: MYH7 is on the minus strand). VCF-style: chr14-23425994-T-G. GRCh37 (hg19) VCF-style: chr14-23895203-T-G.
Other names: c.2132A>C, p.Asn711Thr (NM_001407004.1); short protein forms N711T.
Identifiers: ClinVar variation 2712833 (VCV002712833.3), dbSNP rs2502289516, ClinGen allele CA389049065.
Genomic context (GRCh38, chr14:23,425,994, plus strand): 5'-CTATGAGCTCTGGTGCACCCTCATACCCACCTCTGCCGGAAGTCCCCGTAGAGGATGCGG[T>G]TGGGGAAGCCTTTCCTGCAGATGCGGATGCCCTCCAGCACACCATTGCAGCGCAGCTGGT-3'
Protein context (NP_000248.2, residues 701-721): GIRICRKGFP[Asn711Thr]RILYGDFRQR